The following is an entry in ClinVar:

ClinVar aggregate classification (germline): Uncertain significance. Review status: reviewed by expert panel (3 of 4 stars). 3 submissions from 3 submitters: Uncertain significance (1). 2 of the submissions do not count toward it. Last evaluated 2019-07-14.

Conditions:
Phenylketonuria (PKU). Also called: Phenylketonuria (PKU); FOLLING DISEASE; OLIGOPHRENIA PHENYLPYRUVICA; Phenylketonurias. Identifiers: Orphanet 716, MedGen C0031485, MONDO:0009861, OMIM 261600. Disease mechanism: loss of function.

Allele frequency attached by ClinVar (database versions not stated): gnomAD exomes below 0.00001.
gnomAD v4.1: 1 of 1,614,056 alleles (0.000062%); highest among the groups gnomAD compares: Non-Finnish European, 0.000085%; no homozygotes.

Submissions (3):

ClinGen PAH Variant Curation Expert Panel
Classification: Uncertain significance for Phenylketonuria. Last evaluated: 2019-07-14. Review status: reviewed by expert panel. Criteria: ClinGen PAH ACMG Specifications v1. Collection method: curation. Allele origin: germline. Inheritance: Autosomal recessive inheritance.
Comment: The c.887A>G (p.Asp296Gly) variant in PAH has been reported in a proband with classic PKU (PMID: 26666653; PP4). The proband was heterozygous for variant; it was found with the known pathogenic (per ClinGen PAH Working Group; see ClinVar variant ID 577, c.1222C > T (p.Arg408Trp) allele; however, although the paper did say that parental samples were collected in the study, it did not explicitly state whether the phase of the variants was confirmed via parental testing. Thus, PM3 is downgraded to supporting. The variant is predicted damaging by multiple lines of computational evidence (PP3). It is absent from ethnically diverse control databases (PM2). In summary, this variant meets criteria to be classified as uncertain significance for PAH. PAH-specific ACMG/AMP criteria applied: PP4, PM2, PM3_supporting, PP3.

Labcorp Genetics (formerly Invitae), Labcorp
Classification: Pathogenic for Phenylketonuria. Last evaluated: 2021-08-23. Review status: criteria provided, single submitter. Criteria: Invitae Variant Classification Sherloc (09022015). Collection method: clinical testing. Allele origin: germline. Not counted in ClinVar's aggregate classification.
Comment: This sequence change replaces aspartic acid with glycine at codon 296 of the PAH protein (p.Asp296Gly). The aspartic acid residue is highly conserved and there is a moderate physicochemical difference between aspartic acid and glycine. This variant is not present in population databases (ExAC no frequency). This missense change has been observed in individual(s) with hyperphenylalaninemia (PMID: 26666653, 31355225). ClinVar contains an entry for this variant (Variation ID: 120291). Advanced modeling of protein sequence and biophysical properties (such as structural, functional, and spatial information, amino acid conservation, physicochemical variation, residue mobility, and thermodynamic stability) performed at Invitae indicates that this missense variant is expected to disrupt PAH protein function. For these reasons, this variant has been classified as Pathogenic.

Inserm U 954, Faculté de Médecine de Nancy
Classification: Likely pathogenic for Phenylketonuria. Review status: no assertion criteria provided. Collection method: not provided. Allele origin: unknown. Not counted in ClinVar's aggregate classification.
ClinVar note: Converted during submission from probable-pathogenic to Likely pathogenic.

Literature cited by the submitters: PubMed 26666653 (cited by ClinGen PAH Variant Curation Expert Panel and Labcorp Genetics (formerly Invitae), Labcorp); PubMed 31355225 (cited by Labcorp Genetics (formerly Invitae), Labcorp).

NM_000277.3(PAH):c.887A>G (p.Asp296Gly)

Genes: PAH (phenylalanine hydroxylase; minus strand), LOC126861615 (CDK7 strongly-dependent group 2 enhancer GRCh37_chr12:103244689-103245888; plus strand). Cytogenetic location: 12q23.2.
Variant type: single nucleotide variant.
Coding change: c.887A>G on transcript NM_000277.3 (MANE Select); coding-DNA position 887, A replaced by G.
Protein change: p.Asp296Gly; replaces aspartic acid 296 with glycine.
Molecular consequence: missense variant.
Genome position (GRCh38, 1-based): chr12:102,851,712, T>C on the plus strand (A>G on the coding strand, the complement: PAH is on the minus strand). VCF-style: chr12-102851712-T-C. GRCh37 (hg19) VCF-style: chr12-103245490-T-C.
Other names: c.887A>G, p.Asp296Gly (NM_001354304.2); short protein forms D296G.
Identifiers: ClinVar variation 120291 (VCV000120291.9), dbSNP rs281865446, ClinGen allele CA267682.